The following is an entry in ClinVar:

NM_005609.4(PYGM):c.1151C>T (p.Ala384Val)

Gene: PYGM (glycogen phosphorylase, muscle associated; minus strand). Cytogenetic location: 11q13.1.
Variant type: single nucleotide variant.
Coding change: c.1151C>T on transcript NM_005609.4 (MANE Select); coding-DNA position 1151, C replaced by T.
Protein change: p.Ala384Val; replaces alanine 384 with valine.
Molecular consequence: missense variant.
Genome position (GRCh38, 1-based): chr11:64,753,967, G>A on the plus strand (C>T on the coding strand, the complement: PYGM is on the minus strand). VCF-style: chr11-64753967-G-A. GRCh37 (hg19) VCF-style: chr11-64521439-G-A.
Other names: c.887C>T, p.Ala296Val (NM_001164716.1); short protein forms A384V, A296V.
Identifiers: ClinVar variation 556047 (VCV000556047.5), dbSNP rs1465752595, ClinGen allele CA381176666.

ClinVar aggregate classification (germline): Likely pathogenic. Review status: criteria provided, single submitter (1 of 4 stars). 2 submissions from 2 submitters: Likely pathogenic (1). 1 of the submissions does not count toward it. Last evaluated 2023-11-17.

Conditions:
Glycogen storage disease, type V (GSD5). Also called: MCARDLE DISEASE; MUSCLE GLYCOGEN PHOSPHORYLASE DEFICIENCY; MYOPHOSPHORYLASE DEFICIENCY; PYGM DEFICIENCY; McArdle type glycogen storage disease. Identifiers: Orphanet 368, MedGen C0017924, MONDO:0009293, OMIM 232600.

Allele frequency attached by ClinVar (database versions not stated): gnomAD exomes below 0.00001.
gnomAD v4.1: 3 of 1,605,576 alleles (0.00019%); highest among the groups gnomAD compares: East Asian, 0.0022%; no homozygotes.

Submissions (2):

Labcorp Genetics (formerly Invitae), Labcorp
Classification: Likely pathogenic for Glycogen storage disease, type V. Last evaluated: 2023-11-17. Review status: criteria provided, single submitter. Criteria: Invitae Variant Classification Sherloc (09022015). Collection method: clinical testing. Allele origin: germline.
Comment: This sequence change replaces alanine, which is neutral and non-polar, with valine, which is neutral and non-polar, at codon 384 of the PYGM protein (p.Ala384Val). The frequency data for this variant in the population databases is considered unreliable, as metrics indicate poor data quality at this position in the gnomAD database. This missense change has been observed in individual(s) with glycogen storage disease (PMID: 26032558). It has also been observed to segregate with disease in related individuals. ClinVar contains an entry for this variant (Variation ID: 556047). Advanced modeling of protein sequence and biophysical properties (such as structural, functional, and spatial information, amino acid conservation, physicochemical variation, residue mobility, and thermodynamic stability) performed at Invitae indicates that this missense variant is expected to disrupt PYGM protein function with a positive predictive value of 95%. In summary, the currently available evidence indicates that the variant is pathogenic, but additional data are needed to prove that conclusively. Therefore, this variant has been classified as Likely Pathogenic.

Counsyl
Classification: Uncertain significance for Glycogen storage disease, type V. Last evaluated: 2018-01-09. Review status: no assertion criteria provided. Collection method: clinical testing. Allele origin: unknown. Not counted in ClinVar's aggregate classification.

Literature cited by the submitters: PubMed 26032558 (cited by Labcorp Genetics (formerly Invitae), Labcorp and Counsyl).